The following is an entry in ClinVar:

ClinVar aggregate classification (germline): Pathogenic (1 of 4 stars; one submission).

Conditions:
Ataxia, early-onset, with oculomotor apraxia and hypoalbuminemia (EAOH). Also called: ATAXIA-OCULOMOTOR APRAXIA SYNDROME; ATAXIA-TELANGIECTASIA-LIKE SYNDROME; Ataxia-oculomotor apraxia type 1. Identifiers: Orphanet 1168, MedGen C1859598, MONDO:0008842, OMIM 208920.

Submission:

Suna and Inan Kirac Foundation Neurodegeneration Research Laboratory, Koc University
Classification: Pathogenic for Ataxia, early-onset, with oculomotor apraxia and hypoalbuminemia. Last evaluated: 2022-01-07. Review status: criteria provided, single submitter. Criteria: ACMG Guidelines, 2015. Collection method: research. Allele origin: germline. Affected: yes and no. Observed: 2 variant alleles.

Literature cited by the submitters: PubMed 33624863.

NM_001195248.2(APTX):c.587dup (p.Ala198fs)

Gene: APTX (aprataxin; minus strand). Cytogenetic location: 9p21.1.
Variant type: Duplication.
Coding change: c.587dup on transcript NM_001195248.2 (MANE Select); coding-DNA position 587, one base duplicated (C; older notation c.587dupC).
Protein change: p.Ala198fs; shifts the reading frame from alanine 198.
Molecular consequence: frameshift variant. On other transcripts: non-coding transcript variant (9).
Genome position (GRCh38, 1-based): chr9:32,984,814, G duplicated on the plus strand (C on the coding strand, the reverse complement: APTX is on the minus strand); the first of 3 consecutive G bases (chr9:32,984,814-32,984,816); duplicating any one gives the same sequence. VCF-style (leftmost placement, unchanged base first): chr9-32984813-T-TG. GRCh37 (hg19) VCF-style: chr9-32984811-T-TG.
Other names: c.587dup, p.Ala198fs (NM_001195249.2, NM_001195251.2, NM_001368995.1 and 6 more transcripts); c.425dup, p.Ala144fs (NM_001195250.2, NM_001195254.2, NM_001369000.1 and 1 more transcripts); c.371dup, p.Ala126fs (NM_001195252.2); c.323dup, p.Ala110fs (NM_001369002.1, NM_001369003.1, NM_001369004.1 and 5 more transcripts); c.587dupC (NM_001195248.2); short protein forms A110fs, A126fs, A144fs, A198fs.
Identifiers: ClinVar variation 1334465 (VCV001334465.2), dbSNP rs2118686800, ClinGen allele CA2573053171.